The following is an entry in ClinVar:

ClinVar aggregate classification (germline): Likely pathogenic (1 of 4 stars; one submission).

Conditions:
Hereditary cancer-predisposing syndrome. Also called: Neoplastic Syndromes, Hereditary; Tumor predisposition; Hereditary neoplastic syndrome; Hereditary Cancer Syndrome. Identifiers: Orphanet 140162, MedGen C0027672, MeSH D009386, MONDO:0015356.

Submission:

Ambry Genetics
Classification: Likely pathogenic for Hereditary cancer-predisposing syndrome. Last evaluated: 2026-08-17. Review status: criteria provided, single submitter. Criteria: Ambry Variant Classification Scheme 2023. Collection method: clinical testing. Allele origin: germline.
Comment: The c.1300+5G>T intronic variant results from a G to T substitution 5 nucleotides after coding exon 8 in the FLCN gene. In silico splice site analysis for this alteration is inconclusive. RNA studies have demonstrated that this variant results in abnormal splicing in the set of samples tested (Ambry internal data). Other variant(s) impacting the same donor site (c.1300+5G>C, c.1300+2T>C and c.1300+1G>A) have been shown to have a similar impact on splicing in individual(s) with features consistent with Birt-Hogg-Dube syndrome (Maff&eacute; A et al. Clin Genet, 2011 Apr;79:345-54; Namba Y et al. PLoS One, 2023 Jul;18:e0289175; Torricelli E et al. Respiration, 2019 Jul;98:125-132; Ambry internal data; Iwabuchi et al. J Dermatol Sci 2018 Jan;89(1):77-84). This nucleotide position is well conserved in available vertebrate species. This variant is considered to be rare based on population cohorts in the Genome Aggregation Database (gnomAD). Based on the majority of available evidence to date, this variant is likely to be pathogenic.

NM_144997.7(FLCN):c.1300+5G>T

Gene: FLCN (folliculin; minus strand). Cytogenetic location: 17p11.2.
Variant type: single nucleotide variant.
Coding change: c.1300+5G>T on transcript NM_144997.7 (MANE Select); 5 bases into the intron after coding-DNA position 1300, G replaced by T.
Molecular consequence: intron variant.
Genome position (GRCh38, 1-based): chr17:17,216,375, C>A on the plus strand (G>T on the coding strand, the complement: FLCN is on the minus strand). VCF-style: chr17-17216375-C-A. GRCh37 (hg19) VCF-style: chr17-17119689-C-A.
Other names: c.1300+5G>T (NM_001353231.2, NM_001353230.2); c.1354+5G>T (NM_001353229.2).
Identifiers: ClinVar variation 5021874 (VCV005021874.1).
Genomic context (GRCh38, chr17:17,216,375, plus strand): 5'-TTTGGGCCTGAGGCGTGGGGAACCTCAGCGCAGGGCATGGCCCCACAGCCCGCGGGGGCA[C>A]GCACCTGAGGAGAGCACGTGGGGGGGGATCTGCACGTGCGGGCTGAGCCCCAGGAAGTTG-3'